The following is an entry in ClinVar:

ClinVar aggregate classification (germline): Uncertain significance. Review status: criteria provided, multiple submitters, no conflicts (2 of 4 stars). 3 submissions from 3 submitters: Uncertain significance (3). Last evaluated 2024-05-23.

Submissions (3):

Labcorp Genetics (formerly Invitae), Labcorp
Classification: Uncertain significance. Last evaluated: 2024-05-23. Review status: criteria provided, single submitter. Criteria: Invitae Variant Classification Sherloc (09022015). Collection method: clinical testing. Allele origin: germline.
Comment: This variant, c.163_171del, results in the deletion of 3 amino acid(s) of the C1QTNF5 protein (p.Arg55_Gly57del), but otherwise preserves the integrity of the reading frame. This variant is present in population databases (no rsID available, gnomAD 0.01%). This variant has not been reported in the literature in individuals affected with C1QTNF5-related conditions. Experimental studies and prediction algorithms are not available or were not evaluated, and the functional significance of this variant is currently unknown. In summary, the available evidence is currently insufficient to determine the role of this variant in disease. Therefore, it has been classified as a Variant of Uncertain Significance.

Blueprint Genetics
Classification: Uncertain significance. Last evaluated: 2021-12-17. Review status: criteria provided, single submitter. Criteria: ACMG Guidelines, 2015. Collection method: clinical testing. Allele origin: germline.

GeneDx
Classification: Uncertain significance. Last evaluated: 2019-10-03. Review status: criteria provided, single submitter. Criteria: GeneDx Variant Classification Process June 2021. Collection method: clinical testing. Allele origin: germline. Affected: yes.
Comment: Not observed at a significant frequency in large population cohorts (Lek et al., 2016); In-frame deletion of 3 amino acids in a non-repeat region; Has not been previously published as pathogenic or benign to our knowledge

NM_001278431.2(C1QTNF5):c.154CGCGACGGC[1] (p.49RDG[2])

Genes: C1QTNF5 (C1q and TNF related 5; minus strand), MFRP (membrane frizzled-related protein; minus strand). Cytogenetic location: 11q23.3.
Variant type: Microsatellite.
Coding change: c.154CGCGACGGC[1] on transcript NM_001278431.2 (MANE Select); one copy of the 9-base unit CGCGACGGC starting at c.154; the reference has two copies in a row; one copy, 9 bases deleted.
Protein change: p.49RDG[2].
Molecular consequence: inframe deletion. On other transcripts: 3 prime UTR variant (1).
Genome position (GRCh38, 1-based): chr11:119,340,227-119,340,235, GCCGTCGCG deleted on the plus strand (CGCGACGGC on the coding strand, the reverse complement: C1QTNF5 is on the minus strand); deleting any 9 consecutive bases within chr11:119,340,227-119,340,247 gives the same sequence; the position shown is the placement nearest the transcript's 3' end. VCF-style (leftmost placement, unchanged base first): chr11-119340226-CGCCGTCGCG-C. GRCh37 (hg19) VCF-style: chr11-119210936-CGCCGTCGCG-C.
Other names: c.154CGCGACGGC[1], p.49RDG[2] (NM_015645.5); c.*1050CGCGACGGC[1] (NM_031433.4).
Identifiers: ClinVar variation 1058048 (VCV001058048.11), dbSNP rs940468185, ClinGen allele CA602579354.